The following is an entry in ClinVar:

ClinVar aggregate classification (germline): Uncertain significance. Review status: criteria provided, multiple submitters, no conflicts (2 of 4 stars). 3 submissions from 3 submitters: Uncertain significance (3). Last evaluated 2022-05-25.

Conditions:
Hereditary cancer-predisposing syndrome. Also called: Neoplastic Syndromes, Hereditary; Hereditary Cancer Syndrome; Tumor predisposition; Hereditary neoplastic syndrome. Identifiers: Orphanet 140162, MedGen C0027672, MeSH D009386, MONDO:0015356.
Ataxia-telangiectasia syndrome (AT). Also called: LOUIS-BAR SYNDROME; Cerebello-oculocutaneous telangiectasia; Immunodeficiency with ataxia telangiectasia; Ataxia-telangiectasia, complementation group D; AT, COMPLEMENTATION GROUP C; Ataxia-telangiectasia, complementation group E. Identifiers: Orphanet 100, MedGen C0004135, MONDO:0008840, OMIM 208900.

Submissions (3):

GeneDx
Classification: Uncertain significance. Last evaluated: 2022-05-25. Review status: criteria provided, single submitter. Criteria: GeneDx Variant Classification Process June 2021. Collection method: clinical testing. Allele origin: germline. Affected: yes.
Comment: Not observed at significant frequency in large population cohorts (gnomAD); In silico analysis supports a deleterious effect on protein structure/function; In-silico analysis, which includes splice predictors and evolutionary conservation, is inconclusive as to whether the variant alters gene splicing. In the absence of RNA/functional studies, the actual effect of this sequence change is unknown.; Has not been previously published as pathogenic or benign to our knowledge; This variant is associated with the following publications: (PMID: 27535533, 23532176)

Labcorp Genetics (formerly Invitae), Labcorp
Classification: Uncertain significance for Ataxia-telangiectasia syndrome. Last evaluated: 2021-10-08. Review status: criteria provided, single submitter. Criteria: Invitae Variant Classification Sherloc (09022015). Collection method: clinical testing. Allele origin: germline.
Comment: In summary, the available evidence is currently insufficient to determine the role of this variant in disease. Therefore, it has been classified as a Variant of Uncertain Significance. Algorithms developed to predict the effect of missense changes on protein structure and function (SIFT, PolyPhen-2, Align-GVGD) all suggest that this variant is likely to be disruptive. ClinVar contains an entry for this variant (Variation ID: 482549). This variant has not been reported in the literature in individuals affected with ATM-related conditions. This variant is present in population databases (rs779810877, ExAC 0.01%). This sequence change replaces valine with alanine at codon 2500 of the ATM protein (p.Val2500Ala). The valine residue is moderately conserved and there is a small physicochemical difference between valine and alanine.

Ambry Genetics
Classification: Uncertain significance for Hereditary cancer-predisposing syndrome. Last evaluated: 2017-02-06. Review status: criteria provided, single submitter. Criteria: Ambry Variant Classification Scheme 2023. Collection method: clinical testing. Allele origin: germline.
Comment: The c.7499_7502delTCAAinsCCAG variant, located in coding exon 49 of the ATM gene, results from an in-frame deletion of TCAA and insertion of CCAG at nucleotide positions 7499 to 7502. This results in the deletion of a valine and asparagine residue and the insertion of an alanine and serine residue from codons 2500 to 2501. This amino acid position is highly conserved in available vertebrate species. Since supporting evidence is limited at this time, the clinical significance of this alteration remains unclear.

NM_000051.4(ATM):c.7499_7502delinsCCAG (p.Val2500_Asn2501delinsAlaSer)

Genes: ATM (ATM serine/threonine kinase; plus strand), C11orf65 (chromosome 11 open reading frame 65; minus strand). Cytogenetic location: 11q22.3.
Variant type: Indel.
Coding change: c.7499_7502delinsCCAG on transcript NM_000051.4 (MANE Select); coding-DNA positions 7499 to 7502, TCAA replaced by CCAG.
Protein change: p.Val2500_Asn2501delinsAlaSer.
Molecular consequence: missense variant. On other transcripts: intron variant (2).
Genome position (GRCh38, 1-based): chr11:108,330,405-108,330,408, TCAA replaced by CCAG. VCF-style: chr11-108330405-TCAA-CCAG. GRCh37 (hg19) VCF-style: chr11-108201132-TCAA-CCAG.
Other names: c.7499_7502delinsCCAG, p.Val2500_Asn2501delinsAlaSer (NM_001351834.2); c.641-21337_641-21334delinsCTGG (NM_001330368.2); c.*38+4812_*38+4815delinsCTGG (NM_001351110.2).
Identifiers: ClinVar variation 453687 (VCV000453687.16), dbSNP rs1555123310, ClinGen allele CA658656291.
Genomic context (GRCh38, chr11:108,330,405, plus strand): 5'-ATGATATGTGGGTATTCCGACTTTGTTCCCTCTGGCTTGAAAATTCTGGAGTTTCTGAAG[TCAA>CCAG]TGGCATGATGAAGGCAAGTGTTACTCAGCCCAATATTCTACCCTGTGCTTGAAAAACTTA-3'